The following is an entry in ClinVar:

ClinVar aggregate classification (germline): Likely pathogenic (1 of 4 stars; one submission).

Conditions:
Glycine encephalopathy. Also called: Nonketotic hyperglycinemia; Non-ketotic hyperglycinemia. Identifiers: Orphanet 407, MedGen C0751748, MONDO:0011612, HP:0008288.

Submission:

Natera, Inc.
Classification: Likely pathogenic for Non-ketotic hyperglycinemia. Last evaluated: 2025-04-21. Review status: criteria provided, single submitter. Criteria: Natera Variant Classification Schema (03/2026). Collection method: clinical testing. Allele origin: germline.
Comment: The c.1078_1081del variant in GLDC is a frameshift variant predicted to shift the reading frame beginning at codon 360 and leads to a stop codon 56 codons downstream. This variant is expected to result in nonsense mediated decay, truncation, or a dysfunctional protein product. This variant is rare in the general population with a frequency below the threshold expected for the associated phenotype(s). Given the available evidence, this variant is classified as Likely Pathogenic.

NM_000170.3(GLDC):c.1078_1081del (p.Val360fs)

Gene: GLDC (glycine decarboxylase; minus strand). Cytogenetic location: 9p24.1.
Variant type: Deletion.
Coding change: c.1078_1081del on transcript NM_000170.3 (MANE Select); coding-DNA positions 1078 to 1081, 4 bases deleted (GTGT; older notation c.1078_1081delGTGT).
Protein change: p.Val360fs; shifts the reading frame from valine 360.
Molecular consequence: frameshift variant.
Genome position (GRCh38, 1-based): chr9:6,602,183-6,602,186, ACAC deleted on the plus strand (GTGT on the coding strand, the reverse complement: GLDC is on the minus strand). VCF-style (leftmost placement, unchanged base first): chr9-6602182-TACAC-T. GRCh37 (hg19) VCF-style: chr9-6602182-TACAC-T.
Other names: c.1078_1081delGTGT, p.Val360Ilefs (NM_000170.2); short protein forms V360fs.
Identifiers: ClinVar variation 4068653 (VCV004068653.2).